The following is an entry in ClinVar:

NM_001009944.3(PKD1):c.2473C>T (p.Arg825Trp)

Gene: PKD1 (polycystin 1, transient receptor potential channel interacting; minus strand). Cytogenetic location: 16p13.3.
Variant type: single nucleotide variant.
Coding change: c.2473C>T on transcript NM_001009944.3 (MANE Select); coding-DNA position 2473, C replaced by T.
Protein change: p.Arg825Trp; replaces arginine 825 with tryptophan.
Molecular consequence: missense variant.
Genome position (GRCh38, 1-based): chr16:2,114,550, G>A on the plus strand (C>T on the coding strand, the complement: PKD1 is on the minus strand). VCF-style: chr16-2114550-G-A. GRCh37 (hg19) VCF-style: chr16-2164551-G-A.
Other names: c.2473C>T, p.Arg825Trp (NM_000296.4); short protein forms R825W.
Identifiers: ClinVar variation 975061 (VCV000975061.4), dbSNP rs773426104, ClinGen allele CA7833206.

ClinVar aggregate classification (germline): Uncertain significance. Review status: criteria provided, multiple submitters, no conflicts (2 of 4 stars). 2 submissions from 2 submitters: Uncertain significance (2). Last evaluated 2024-04-08.

Conditions:
Polycystic kidney disease, adult type (PKD1). Also called: Polycystic Kidney Disease 1, Autosomal Dominant; Polycystic kidney disease 1; Polycystic kidney disease 1, severe; Polycystic Kidney, Autosomal Dominant; POLYCYSTIC KIDNEY DISEASE 1 WITH OR WITHOUT POLYCYSTIC LIVER DISEASE; POLYCYSTIC KIDNEY DISEASE, ADULT, TYPE I. Identifiers: MedGen C3149841, MONDO:0008263, OMIM 173900.

Allele frequency attached by ClinVar (database versions not stated): TOPMed 0.00001; gnomAD exomes 0.00002 and 0.00004; gnomAD 0.00003; ExAC 0.00006.
gnomAD v4.1: 60 of 1,593,568 alleles (0.0038%); highest among the groups gnomAD compares: East Asian, 0.0089%; no homozygotes.

Submissions (2):

Fulgent Genetics
Classification: Uncertain significance for Polycystic kidney disease, adult type. Last evaluated: 2024-04-08. Review status: criteria provided, single submitter. Criteria: ACMG Guidelines, 2015. Collection method: clinical testing. Allele origin: germline.

Victorian Clinical Genetics Services, Murdoch Childrens Research Institute
Classification: Uncertain significance for Polycystic kidney disease, adult type. Last evaluated: 2018-07-12. Review status: criteria provided, single submitter. Criteria: ACMG Guidelines, 2015. Collection method: clinical testing. Allele origin: unknown. Affected: yes.
Comment: A heterozygous missense variant, NM_001009944.2(PKD1):c.2473C>T, has been identified in exon 11 of 46 of the PKD1 gene. The variant is predicted to result in a major amino acid change from arginine to tryptophan at position 825 of the protein (NP_001009944.2(PKD1):p.(Arg825Trp)). The arginine at this position has low conservation (100 vertebrates, UCSC), and is not located within a well established functional domain. In silico predictions of pathogenicity for this variant are conflicting (Polyphen, SIFT, CADD, Mutation Taster). The variant is present in the gnomAD database at a frequency of 0.003% (7 heterozygotes, 0 homozygotes), as is an alternative change, p.(Arg825Gln), at a frequency of 0.001% (3 heterozygotes, 0 homozygotes). This variant has not been previously reported in clinical cases. Based on the information available at the time of curation, this variant has been classified as a VARIANT of UNCERTAIN SIGNIFICANCE (VUS).